The following is an entry in ClinVar:

NM_014727.3(KMT2B):c.6593G>A (p.Gly2198Glu)

Gene: KMT2B (lysine methyltransferase 2B; plus strand). Cytogenetic location: 19q13.12.
Variant type: single nucleotide variant.
Coding change: c.6593G>A on transcript NM_014727.3 (MANE Select); coding-DNA position 6593, G replaced by A.
Protein change: p.Gly2198Glu; replaces glycine 2198 with glutamic acid.
Molecular consequence: missense variant.
Genome position (GRCh38, 1-based): chr19:35,733,142, G>A. VCF-style: chr19-35733142-G-A. GRCh37 (hg19) VCF-style: chr19-36224043-G-A.
Other names: short protein forms G2198E.
Identifiers: ClinVar variation 5020772 (VCV005020772.1).
Genomic context (GRCh38, chr19:35,733,142, plus strand): 5'-GCCCTGCCCCTGAGCCCCCCAAACCCGCCACATCCAAAATCATACTTGTCAACAAGCTGG[G>A]GCAAGTATTTGTGAAGATGGCTGGGGAGGGTGAACCTGTCCCACCCCCAGTGAAGCAGCC-3'
Protein context (NP_055542.1, residues 2188-2208): TSKIILVNKL[Gly2198Glu]QVFVKMAGEG

ClinVar aggregate classification (germline): Uncertain significance (1 of 4 stars; one submission).

Submission:

Dasa
Classification: Uncertain significance. Last evaluated: 2025-12-03. Review status: criteria provided, single submitter. Criteria: DASA Assertion Criteria. Collection method: clinical testing. Allele origin: germline.
Comment: NM_014727.3(KMT2B):c.6593G>A (p.Gly2198Glu) is a missense variant that results in the substitution of glycine with glutamic acid. This variant is rare in population databases. The currently available literature and clinical evidence are not sufficient to establish a definitive association between this variant and the reported condition. Therefore, this variant is classified as a variant of uncertain significance.